The following is an entry in ClinVar:

ClinVar aggregate classification (germline): Uncertain significance (1 of 4 stars; one submission).

Conditions:
Duchenne muscular dystrophy (DMD). Also called: MUSCULAR DYSTROPHY, PSEUDOHYPERTROPHIC PROGRESSIVE, DUCHENNE TYPE; Duchenne Muscular Dystrophy (DMD). Identifiers: Orphanet 98896, MedGen C0013264, MONDO:0010679, OMIM 310200.

Submission:

Labcorp Genetics (formerly Invitae), Labcorp
Classification: Uncertain significance for Duchenne muscular dystrophy. Last evaluated: 2024-11-06. Review status: criteria provided, single submitter. Criteria: Invitae Variant Classification Sherloc (09022015). Collection method: clinical testing. Allele origin: germline.
Comment: This sequence change replaces threonine, which is neutral and polar, with asparagine, which is neutral and polar, at codon 1683 of the DMD protein (p.Thr1683Asn). This variant is not present in population databases (gnomAD no frequency). This variant has not been reported in the literature in individuals affected with DMD-related conditions. Invitae Evidence Modeling of protein sequence and biophysical properties (such as structural, functional, and spatial information, amino acid conservation, physicochemical variation, residue mobility, and thermodynamic stability) indicates that this missense variant is not expected to disrupt DMD protein function with a negative predictive value of 95%. In summary, the available evidence is currently insufficient to determine the role of this variant in disease. Therefore, it has been classified as a Variant of Uncertain Significance.

NM_004006.3(DMD):c.5048C>A (p.Thr1683Asn)

Gene: DMD (dystrophin; minus strand). Cytogenetic location: Xp21.1.
Variant type: single nucleotide variant.
Coding change: c.5048C>A on transcript NM_004006.3 (MANE Select); coding-DNA position 5048, C replaced by A.
Protein change: p.Thr1683Asn; replaces threonine 1683 with asparagine.
Molecular consequence: missense variant.
Genome position (GRCh38, 1-based): chrX:32,364,688, G>T on the plus strand (C>A on the coding strand, the complement: DMD is on the minus strand). VCF-style: chrX-32364688-G-T. GRCh37 (hg19) VCF-style: chrX-32382805-G-T.
Other names: c.5024C>A, p.Thr1675Asn (NM_000109.4); c.5036C>A, p.Thr1679Asn (NM_004009.3); c.4679C>A, p.Thr1560Asn (NM_004010.3); c.1025C>A, p.Thr342Asn (NM_004011.4); c.1016C>A, p.Thr339Asn (NM_004012.4); short protein forms T1560N, T1675N, T1679N, T1683N, T339N, T342N.
Identifiers: ClinVar variation 3623926 (VCV003623926.2).
Genomic context (GRCh38, chrX:32,364,688, plus strand): 5'-TCCAAAAGTGTGTCAGCCTGAATGATCCACTTTGTGATGTGGTCCACATTCTGGTCAAAA[G>T]TTTCCATGTGTTTCTGGTATTCCTTAATTGTACAGAGACATACCATGGCATTATTGGTTA-3'
Protein context (NP_003997.2, residues 1673-1693): LLLEYQKHME[Thr1683Asn]FDQNVDHITK